The following is an entry in ClinVar:

ClinVar aggregate classification (germline): Uncertain significance (1 of 4 stars; one submission).

Conditions:
Epidermolysis bullosa simplex 5B, with muscular dystrophy (EBS5B). Also called: EPIDERMOLYSIS BULLOSA SIMPLEX AND LIMB-GIRDLE MUSCULAR DYSTROPHY; Epidermolysis bullosa simplex with muscular dystrophy. Identifiers: Orphanet 257, MedGen C2931072, MONDO:0009181, OMIM 226670.
Epidermolysis bullosa simplex, Ogna type (EBS5A). Also called: Pidermolysis bullosa simplex 5A, Ogna type; EPIDERMOLYSIS BULLOSA SIMPLEX 5A, OGNA TYPE. Identifiers: Orphanet 79401, MedGen C0432317, MONDO:0007555, OMIM 131950.
Epidermolysis bullosa simplex 5C, with pyloric atresia (EBS5C). Also called: Epidermolysis bullosa simplex with pyloric atresia; PLEC-Related Epidermolysis Bullosa with Pyloric Atresia; PLEC1-Related Epidermolysis Bullosa with Pyloric Atresia. Identifiers: Orphanet 158684, MedGen C2677349, MONDO:0012807, OMIM 612138.
Autosomal recessive limb-girdle muscular dystrophy type 2Q (LGMDR17). Also called: MUSCULAR DYSTROPHY, LIMB-GIRDLE, AUTOSOMAL RECESSIVE 17. Identifiers: Orphanet 254361, MedGen C3150989, MONDO:0013390, OMIM 613723.
Epidermolysis bullosa simplex with nail dystrophy (EBS5D). Identifiers: MedGen C4225309, MONDO:0014661, OMIM 616487.

Submission:

Labcorp Genetics (formerly Invitae), Labcorp
Classification: Uncertain significance for Autosomal recessive limb-girdle muscular dystrophy type 2Q; Epidermolysis bullosa simplex, Ogna type; Epidermolysis bullosa simplex with nail dystrophy; Epidermolysis bullosa simplex 5C, with pyloric atresia; Epidermolysis bullosa simplex 5B, with muscular dystrophy. Last evaluated: 2025-04-20. Review status: criteria provided, single submitter. Criteria: Invitae Variant Classification Sherloc (09022015). Collection method: clinical testing. Allele origin: germline.
Comment: This sequence change replaces valine, which is neutral and non-polar, with methionine, which is neutral and non-polar, at codon 2551 of the PLEC protein (p.Val2551Met). This variant is not present in population databases (gnomAD no frequency). This variant has not been reported in the literature in individuals affected with PLEC-related conditions. Invitae Evidence Modeling of protein sequence and biophysical properties (such as structural, functional, and spatial information, amino acid conservation, physicochemical variation, residue mobility, and thermodynamic stability) indicates that this missense variant is expected to disrupt PLEC protein function with a positive predictive value of 80%. In summary, the available evidence is currently insufficient to determine the role of this variant in disease. Therefore, it has been classified as a Variant of Uncertain Significance.

NM_201384.3(PLEC):c.7570G>A (p.Val2524Met)

Gene: PLEC (plectin; minus strand). Cytogenetic location: 8q24.3.
Variant type: single nucleotide variant.
Coding change: c.7570G>A on transcript NM_201384.3 (MANE Select); coding-DNA position 7570, G replaced by A.
Protein change: p.Val2524Met; replaces valine 2524 with methionine.
Molecular consequence: missense variant.
Genome position (GRCh38, 1-based): chr8:143,922,251, C>T on the plus strand (G>A on the coding strand, the complement: PLEC is on the minus strand). VCF-style: chr8-143922251-C-T. GRCh37 (hg19) VCF-style: chr8-144996419-C-T.
Other names: c.7651G>A, p.Val2551Met (NM_000445.5); c.4270G>A, p.Val1424Met (NM_001410941.1); c.7528G>A, p.Val2510Met (NM_201378.4); c.7504G>A, p.Val2502Met (NM_201379.3); c.7981G>A, p.Val2661Met (NM_201380.4); c.7474G>A, p.Val2492Met (NM_201381.3); c.7570G>A, p.Val2524Met (NM_201382.4); c.7582G>A, p.Val2528Met (NM_201383.3); short protein forms V2492M, V2510M, V2528M, V2551M, V2661M, V1424M, V2502M, V2524M.
Identifiers: ClinVar variation 4795017 (VCV004795017.1).